The following is an entry in ClinVar:

ClinVar aggregate classification (germline): Uncertain significance (1 of 4 stars; one submission).

Allele frequency attached by ClinVar (database versions not stated): gnomAD 0.00003; ExAC 0.00003; TOPMed 0.00007.
gnomAD v4.1: 21 of 1,613,142 alleles (0.0013%); highest among the groups gnomAD compares: African/African-American, 0.015%; 1 homozygote.

Submission:

Labcorp Genetics (formerly Invitae), Labcorp
Classification: Uncertain significance. Last evaluated: 2025-12-22. Review status: criteria provided, single submitter. Criteria: Invitae Variant Classification Sherloc (09022015). Collection method: clinical testing. Allele origin: germline.
Comment: This sequence change replaces proline, which is neutral and non-polar, with serine, which is neutral and polar, at codon 736 of the FOCAD protein (p.Pro736Ser). This variant is present in population databases (rs753587095, gnomAD 0.02%). This variant has not been reported in the literature in individuals affected with FOCAD-related conditions. ClinVar contains an entry for this variant (Variation ID: 2851076). Experimental studies and prediction algorithms are not available or were not evaluated, and the functional significance of this variant is currently unknown. In summary, the available evidence is currently insufficient to determine the role of this variant in disease. Therefore, it has been classified as a Variant of Uncertain Significance.

NM_001375567.1(FOCAD):c.2206C>T (p.Pro736Ser)

Gene: FOCAD (focadhesin; plus strand). Cytogenetic location: 9p21.3.
Variant type: single nucleotide variant.
Coding change: c.2206C>T on transcript NM_001375567.1 (MANE Select); coding-DNA position 2206, C replaced by T.
Protein change: p.Pro736Ser; replaces proline 736 with serine.
Molecular consequence: missense variant.
Genome position (GRCh38, 1-based): chr9:20,874,696, C>T. VCF-style: chr9-20874696-C-T. GRCh37 (hg19) VCF-style: chr9-20874695-C-T.
Other names: c.2101C>T, p.Pro701Ser (NM_001375568.1, NM_001375570.1); c.2206C>T, p.Pro736Ser (NM_017794.5); short protein forms P736S, P701S.
Identifiers: ClinVar variation 2851076 (VCV002851076.3), dbSNP rs753587095, ClinGen allele CA5007061.
Genomic context (GRCh38, chr9:20,874,696, plus strand): 5'-GTTTTATTATTATCCTCTCTATGATCTTTTCGCTTATCATTTCAGATAAGACCAGAAATT[C>T]CCATTCCTGAAGAGTTAGATGACGATGAAGATGTTGAGGATGTGGATCTTTCAGTTCCTG-3'
Protein context (NP_001362496.1, residues 726-746): HLPEKIRPEI[Pro736Ser]IPEELDDDED